The following is an entry in ClinVar:

NM_007294.4(BRCA1):c.2831_2837del (p.Cys944fs)

Gene: BRCA1 (BRCA1 DNA repair associated; minus strand). Cytogenetic location: 17q21.31.
Variant type: Deletion.
Coding change: c.2831_2837del on transcript NM_007294.4 (MANE Select); coding-DNA positions 2831 to 2837, 7 bases deleted (GTAGTAT; older notation c.2831_2837delGTAGTAT).
Protein change: p.Cys944fs; shifts the reading frame from cysteine 944.
Molecular consequence: frameshift variant. On other transcripts: intron variant (137).
Genome position (GRCh38, 1-based): chr17:43,092,694-43,092,700, ATACTAC deleted on the plus strand (GTAGTAT on the coding strand, the reverse complement: BRCA1 is on the minus strand); deleting any 7 consecutive bases within chr17:43,092,694-43,092,702 gives the same sequence; the c. name uses the placement nearest the transcript's 3' end. VCF-style (leftmost placement, unchanged base first): chr17-43092693-GATACTAC-G. GRCh37 (hg19) VCF-style: chr17-41244710-GATACTAC-G.
Other names: c.2618_2624del, p.Cys873fs (NM_001407571.1, NM_001407853.1, NM_001407894.1 and 9 more transcripts); c.2831_2837del, p.Cys944fs (NM_001407581.1, NM_001407582.1, NM_001407583.1 and 30 more transcripts); c.2828_2834del, p.Cys943fs (NM_001407587.1, NM_001407590.1, NM_001407591.1 and 22 more transcripts); c.2822_2828del, p.Cys941fs (NM_001407646.1, NM_001407647.1); c.2708_2714del, p.Cys903fs (NM_001407648.1, NM_001407664.1, NM_001407665.1 and 19 more transcripts); c.2705_2711del, p.Cys902fs (NM_001407649.1, NM_001407670.1, NM_001407671.1 and 11 more transcripts); c.2753_2759del, p.Cys918fs (NM_001407653.1, NM_001407654.1, NM_001407655.1 and 4 more transcripts); c.2750_2756del, p.Cys917fs (NM_001407659.1, NM_001407660.1, NM_001407661.1 and 1 more transcripts); and 41 more; short protein forms C897fs, C944fs, C816fs, C832fs, C877fs, C903fs, C917fs, C941fs.
Identifiers: ClinVar variation 1432534 (VCV001432534.7), dbSNP rs2154356972, ClinGen allele CA2573153987.

ClinVar aggregate classification (germline): Pathogenic (1 of 4 stars; one submission).

Conditions:
Hereditary breast ovarian cancer syndrome. Also called: Hereditary breast and ovarian cancer syndrome (HBOC); Breast and ovarian cancer; BRCA1- and BRCA2-Associated Hereditary Breast and Ovarian Cancer; Hereditary breast and/or ovarian cancer syndrome; Hereditary breast and ovarian cancer; Hereditary breast and ovarian cancer syndrome. Identifiers: Orphanet 145, MedGen C0677776, MeSH D061325, MONDO:0003582. Disease mechanism: loss of function.

Submission:

Labcorp Genetics (formerly Invitae), Labcorp
Classification: Pathogenic for Hereditary breast ovarian cancer syndrome. Last evaluated: 2021-11-25. Review status: criteria provided, single submitter. Criteria: Invitae Variant Classification Sherloc (09022015). Collection method: clinical testing. Allele origin: germline.
Comment: For these reasons, this variant has been classified as Pathogenic. This variant has not been reported in the literature in individuals affected with BRCA1-related conditions. This variant is not present in population databases (gnomAD no frequency). This sequence change creates a premature translational stop signal (p.Cys944Serfs*54) in the BRCA1 gene. It is expected to result in an absent or disrupted protein product. Loss-of-function variants in BRCA1 are known to be pathogenic (PMID: 20104584).

Literature cited by the submitters: PubMed 20104584.